The following is an entry in ClinVar:

ClinVar aggregate classification (germline): Uncertain significance (1 of 4 stars; one submission).

gnomAD v4.1: 1 of 1,430,430 alleles (0.00007%); highest among the groups gnomAD compares: Non-Finnish European, 0.000091%; no homozygotes.

Submission:

GeneDx
Classification: Uncertain significance. Last evaluated: 2025-08-12. Review status: criteria provided, single submitter. Criteria: GeneDx Variant Classification Process June 2021. Collection method: clinical testing. Allele origin: germline. Affected: yes.
Comment: Not observed at significant frequency in large population cohorts (gnomAD); In silico analysis supports that this missense variant has a deleterious effect on protein structure/function; Has not been previously published as pathogenic or benign to our knowledge

NM_000384.3(APOB):c.50T>C (p.Leu17Pro)

Genes: APOB (apolipoprotein B; minus strand), LOC106560211 (APOB 5' regulatory region; plus strand). Cytogenetic location: 2p24.1.
Variant type: single nucleotide variant.
Coding change: c.50T>C on transcript NM_000384.3 (MANE Select); coding-DNA position 50, T replaced by C.
Protein change: p.Leu17Pro; replaces leucine 17 with proline.
Molecular consequence: missense variant.
Genome position (GRCh38, 1-based): chr2:21,043,896, A>G on the plus strand (T>C on the coding strand, the complement: APOB is on the minus strand). VCF-style: chr2-21043896-A-G. GRCh37 (hg19) VCF-style: chr2-21266768-A-G.
Other names: short protein forms L17P.
Identifiers: ClinVar variation 4795553 (VCV004795553.1).